The following is an entry in ClinVar:

ClinVar aggregate classification (germline): Uncertain significance (1 of 4 stars; one submission).

Submission:

Labcorp Genetics (formerly Invitae), Labcorp
Classification: Uncertain significance. Last evaluated: 2025-07-13. Review status: criteria provided, single submitter. Criteria: Invitae Variant Classification Sherloc (09022015). Collection method: clinical testing. Allele origin: germline.
Comment: This sequence change replaces glycine, which is neutral and non-polar, with arginine, which is basic and polar, at codon 137 of the CDK13 protein (p.Gly137Arg). This variant is not present in population databases (gnomAD no frequency). This variant has not been reported in the literature in individuals affected with CDK13-related conditions. ClinVar contains an entry for this variant (Variation ID: 2793717). Invitae Evidence Modeling of protein sequence and biophysical properties (such as structural, functional, and spatial information, amino acid conservation, physicochemical variation, residue mobility, and thermodynamic stability) indicates that this missense variant is not expected to disrupt CDK13 protein function with a negative predictive value of 95%. In summary, the available evidence is currently insufficient to determine the role of this variant in disease. Therefore, it has been classified as a Variant of Uncertain Significance.

NM_003718.5(CDK13):c.409G>C (p.Gly137Arg)

Genes: CDK13 (cyclin dependent kinase 13; plus strand), LOC129998292 (ATAC-STARR-seq lymphoblastoid silent region 18115; plus strand). Cytogenetic location: 7p14.1.
Variant type: single nucleotide variant.
Coding change: c.409G>C on transcript NM_003718.5 (MANE Select); coding-DNA position 409, G replaced by C.
Protein change: p.Gly137Arg; replaces glycine 137 with arginine.
Molecular consequence: missense variant.
Genome position (GRCh38, 1-based): chr7:39,951,050, G>C. VCF-style: chr7-39951050-G-C. GRCh37 (hg19) VCF-style: chr7-39990649-G-C.
Other names: c.409G>C, p.Gly137Arg (NM_031267.4); short protein forms G137R.
Identifiers: ClinVar variation 2793717 (VCV002793717.3), dbSNP rs1787156957, ClinGen allele CA367309664.
Genomic context (GRCh38, chr7:39,951,050, plus strand): 5'-AAGCGTCGGGTCTTCTCGCTGCCCCAGCCGCAGCAGGACGGCGGTGGCGGTGCTAGTAGC[G>C]GCGGGGGTGTGACCCCGCTGGTGGAATACGAGGATGTGAGCTCCCAGTCCGAGCAGGGGC-3'
Protein context (NP_003709.3, residues 127-147): QQDGGGGASS[Gly137Arg]GGVTPLVEYE